The following is an entry in ClinVar:

ClinVar aggregate classification (germline): Likely pathogenic (1 of 4 stars; one submission).

Submission:

Labcorp Genetics (formerly Invitae), Labcorp
Classification: Likely pathogenic. Last evaluated: 2023-06-11. Review status: criteria provided, single submitter. Criteria: Invitae Variant Classification Sherloc (09022015). Collection method: clinical testing. Allele origin: germline.
Comment: In summary, the currently available evidence indicates that the variant is pathogenic, but additional data are needed to prove that conclusively. Therefore, this variant has been classified as Likely Pathogenic. Algorithms developed to predict the effect of sequence changes on RNA splicing suggest that this variant may disrupt the consensus splice site. This variant has not been reported in the literature in individuals affected with NALCN-related conditions. This variant is not present in population databases (gnomAD no frequency). This sequence change affects an acceptor splice site in intron 26 of the NALCN gene. It is expected to disrupt RNA splicing. Variants that disrupt the donor or acceptor splice site typically lead to a loss of protein function (PMID: 16199547), and loss-of-function variants in NALCN are known to be pathogenic (PMID: 23749988, 24075186).

Literature cited by the submitters: PubMed 16199547; PubMed 23749988; PubMed 24075186.

NM_052867.4(NALCN):c.3058-1G>T

Gene: NALCN (sodium leak channel, non-selective; minus strand). Cytogenetic location: 13q33.1.
Variant type: single nucleotide variant.
Coding change: c.3058-1G>T on transcript NM_052867.4 (MANE Select); the canonical splice acceptor site of the intron before coding-DNA position 3058, G replaced by T.
Molecular consequence: splice acceptor variant.
Genome position (GRCh38, 1-based): chr13:101,100,889, C>A on the plus strand (G>T on the coding strand, the complement: NALCN is on the minus strand). VCF-style: chr13-101100889-C-A. GRCh37 (hg19) VCF-style: chr13-101753240-C-A.
Other names: c.3058-1G>T (NM_001350749.2); c.2971-1G>T (NM_001350750.2, NM_001350751.2); c.3145-1G>T (NM_001350748.2).
Identifiers: ClinVar variation 2712150 (VCV002712150.3), dbSNP rs2034773322, ClinGen allele CA388654923.